The following is an entry in ClinVar:

ClinVar aggregate classification (germline): Pathogenic (1 of 4 stars; one submission).

Submission:

Labcorp Genetics (formerly Invitae), Labcorp
Classification: Pathogenic. Last evaluated: 2022-05-11. Review status: criteria provided, single submitter. Criteria: Invitae Variant Classification Sherloc (09022015). Collection method: clinical testing. Allele origin: germline.
Comment: For these reasons, this variant has been classified as Pathogenic. This variant has not been reported in the literature in individuals affected with POLE-related conditions. This variant is not present in population databases (gnomAD no frequency). This sequence change creates a premature translational stop signal (p.Ala730Valfs*59) in the POLE gene. It is expected to result in an absent or disrupted protein product. Loss-of-function variants in POLE are known to be pathogenic (PMID: 23230001, 25948378, 30503519).

Literature cited by the submitters: PubMed 23230001; PubMed 25948378; PubMed 30503519.

NC_000012.12:g.132667623_132667633delinsA

Gene: POLE (DNA polymerase epsilon, catalytic subunit; minus strand). Cytogenetic location: 12q24.33.
Variant type: Indel.
Genome position: GRCh38 VCF-style: chr12-132667623-CTTCTTGTAGG-A. GRCh37 (hg19) VCF-style: chr12-133244209-CTTCTTGTAGG-A.
Other names: c.2189_2199delinsT, p.Ala730fs (LRG_789t1).
Identifiers: ClinVar variation 405633 (VCV000405633.8), dbSNP rs1064792921, ClinGen allele CA16613870.